The following is an entry in ClinVar:

ClinVar aggregate classification (germline): Uncertain significance (1 of 4 stars; one submission).

Submission:

Ambry Genetics
Classification: Uncertain significance. Last evaluated: 2023-04-18. Review status: criteria provided, single submitter. Criteria: Ambry Variant Classification Scheme 2023. Collection method: clinical testing. Allele origin: germline.
Comment: The p.S1402G variant (also known as c.4204A>G), located in coding exon 16 of the POLQ gene, results from an A to G substitution at nucleotide position 4204. The serine at codon 1402 is replaced by glycine, an amino acid with similar properties. This amino acid position is conserved. In addition, this alteration is predicted to be tolerated by in silico analysis. Since supporting evidence is limited at this time, the clinical significance of this alteration remains unclear.

NM_199420.4(POLQ):c.4204A>G (p.Ser1402Gly)

Gene: POLQ (DNA polymerase theta; minus strand). Cytogenetic location: 3q13.33.
Variant type: single nucleotide variant.
Coding change: c.4204A>G on transcript NM_199420.4 (MANE Select); coding-DNA position 4204, A replaced by G.
Protein change: p.Ser1402Gly; replaces serine 1402 with glycine.
Molecular consequence: missense variant.
Genome position (GRCh38, 1-based): chr3:121,488,727, T>C on the plus strand (A>G on the coding strand, the complement: POLQ is on the minus strand). VCF-style: chr3-121488727-T-C. GRCh37 (hg19) VCF-style: chr3-121207574-T-C.
Other names: short protein forms S1402G.
Identifiers: ClinVar variation 2563799 (VCV002563799.2), dbSNP rs2546786208, ClinGen allele CA354095776.
Genomic context (GRCh38, chr3:121,488,727, plus strand): 5'-GTATTGGAGAATGGAAAATCGGGCTTTCTGGAGTCAGGATATCAACCCCATGTGAATCAC[T>C]GCTTTGTTTCATAGTACCTACAGTCTTAAGGTCCAAATGATCTATCTTAGTCGCTCCTAG-3'
Protein context (NP_955452.3, residues 1392-1412): LKTVGTMKQS[Ser1402Gly]DSHGVDILTP